The following is an entry in ClinVar:

ClinVar aggregate classification (germline): Likely benign. Review status: criteria provided, multiple submitters, no conflicts (2 of 4 stars). 3 submissions from 3 submitters: Likely benign (3). Last evaluated 2026-01-19.

Conditions:
Early-infantile DEE. Also called: Early infantile epileptic encephalopathy; Ohtahara syndrome; Early infantile epileptic encephalopathy with suppression bursts. Identifiers: Orphanet 1934, MedGen C0393706, MONDO:0800491.

Allele frequency attached by ClinVar (database versions not stated): gnomAD exomes below 0.00001; gnomAD 0.00001 and 0.00002; TOPMed 0.00001.
gnomAD v4.1: 18 of 1,607,212 alleles (0.0011%); highest among the groups gnomAD compares: African/African-American, 0.0027%; no homozygotes.

Submissions (3):

Labcorp Genetics (formerly Invitae), Labcorp
Classification: Likely benign for Early-infantile DEE. Last evaluated: 2026-01-19. Review status: criteria provided, single submitter. Criteria: Invitae Variant Classification Sherloc (09022015). Collection method: clinical testing. Allele origin: germline.

CeGaT Center for Human Genetics Tuebingen
Classification: Likely benign. Last evaluated: 2025-09-01. Review status: criteria provided, single submitter. Criteria: CeGaT Center For Human Genetics Tuebingen Variant Classification Criteria Version 2. Collection method: clinical testing. Allele origin: germline. Affected: yes. Observed: 2 variant alleles.
Comment: SCN8A: BP4, BP7

GeneDx
Classification: Likely benign. Last evaluated: 2018-05-30. Review status: criteria provided, single submitter. Criteria: GeneDx Variant Classification Process June 2021. Collection method: clinical testing. Allele origin: germline. Affected: yes.

NM_001330260.2(SCN8A):c.1908C>T (p.Ser636=)

Gene: SCN8A (sodium voltage-gated channel alpha subunit 8; plus strand). Cytogenetic location: 12q13.13.
Variant type: single nucleotide variant.
Coding change: c.1908C>T on transcript NM_001330260.2 (MANE Select); coding-DNA position 1908, C replaced by T.
Protein change: p.Ser636=; no amino-acid change (serine 636 retained).
Molecular consequence: synonymous variant.
Genome position (GRCh38, 1-based): chr12:51,721,818, C>T. VCF-style: chr12-51721818-C-T. GRCh37 (hg19) VCF-style: chr12-52115602-C-T.
Other names: c.1908C>T, p.Ser636= (NM_001177984.3, NM_001369788.1, NM_014191.4).
Identifiers: ClinVar variation 507338 (VCV000507338.37), dbSNP rs1053543226, ClinGen allele CA480096924.